The following is an entry in ClinVar:

NM_001042492.3(NF1):c.6819+1G>C

Gene: NF1 (neurofibromin 1; plus strand). Cytogenetic location: 17q11.2.
Variant type: single nucleotide variant.
Coding change: c.6819+1G>C on transcript NM_001042492.3 (MANE Select); the canonical splice donor site of the intron after coding-DNA position 6819, G replaced by C.
Molecular consequence: splice donor variant.
Genome position (GRCh38, 1-based): chr17:31,338,140, G>C. VCF-style: chr17-31338140-G-C. GRCh37 (hg19) VCF-style: chr17-29665158-G-C.
Other names: c.6756+1G>C (NM_000267.4).
Identifiers: ClinVar variation 1067342 (VCV001067342.9), dbSNP rs1555534964, ClinGen allele CA399014227.

ClinVar aggregate classification (germline): Pathogenic/Likely pathogenic. Review status: criteria provided, multiple submitters, no conflicts (2 of 4 stars). 4 submissions from 4 submitters: Pathogenic (3); Likely pathogenic (1). Last evaluated 2026-10-06.

Conditions:
Neurofibromatosis, type 1 (NF1). Also called: Peripheral type neurofibromatosis; NEUROFIBROMATOSIS, TYPE I, SOMATIC; Neurofibromatosis, type I; VON RECKLINGHAUSEN DISEASE. Identifiers: Orphanet 636, MedGen C0027831, MONDO:0018975, OMIM 162200. Disease mechanism: loss of function.
Cardiovascular phenotype. Identifiers: MedGen CN230736.
Hereditary cancer-predisposing syndrome. Also called: Tumor predisposition; Hereditary Cancer Syndrome; Hereditary neoplastic syndrome; Neoplastic Syndromes, Hereditary. Identifiers: Orphanet 140162, MedGen C0027672, MeSH D009386, MONDO:0015356.

Submissions (4):

NHS Central & South Genomic Laboratory Hub
Classification: Pathogenic for Neurofibromatosis type 1. Last evaluated: 2026-10-06. Review status: criteria provided, single submitter. Criteria: ACMG Guidelines, 2015. Collection method: clinical testing. Allele origin: germline. Affected: yes.

Laboratory of Genetics, Children's Clinical University Hospital Latvia
Classification: Pathogenic. Last evaluated: 2025-02-16. Review status: criteria provided, single submitter. Criteria: ACMG Guidelines, 2015. Collection method: clinical testing. Allele origin: germline. Affected: yes.

Labcorp Genetics (formerly Invitae), Labcorp
Classification: Pathogenic for Neurofibromatosis, type 1. Last evaluated: 2024-12-12. Review status: criteria provided, single submitter. Criteria: Invitae Variant Classification Sherloc (09022015). Collection method: clinical testing. Allele origin: germline.
Comment: This sequence change affects a donor splice site in intron 44 of the NF1 gene. It is expected to disrupt RNA splicing. Variants that disrupt the donor or acceptor splice site typically lead to a loss of protein function (PMID: 16199547), and loss-of-function variants in NF1 are known to be pathogenic (PMID: 10712197, 23913538). This variant is not present in population databases (gnomAD no frequency). Disruption of this splice site has been observed in individual(s) with neurofibromatosis type 1 (PMID: 31766501). ClinVar contains an entry for this variant (Variation ID: 1067342). Algorithms developed to predict the effect of sequence changes on RNA splicing suggest that this variant may disrupt the consensus splice site. For these reasons, this variant has been classified as Pathogenic.

Ambry Genetics
Classification: Likely pathogenic for Cardiovascular phenotype; Hereditary cancer-predisposing syndrome. Last evaluated: 2018-01-06. Review status: criteria provided, single submitter. Criteria: Ambry Variant Classification Scheme 2023. Collection method: clinical testing. Allele origin: germline.
Comment: The c.6756+1G>C intronic variant results from a G to C substitution one nucleotide after coding exon 44 of the NF1 gene. This nucleotide position is highly conserved in available vertebrate species. Using the BDGP and ESEfinder splice site prediction tools, this alteration is predicted to abolish the native splice donor site; however, direct evidence is unavailable. Alterations that disrupt the canonical splice site are expected to cause aberrant splicing, resulting in an abnormal protein or a transcript that is subject to nonsense-mediated mRNA decay. As such, this alteration is classified as likely pathogenic.

Literature cited by the submitters: PubMed 16199547 (cited by Labcorp Genetics (formerly Invitae), Labcorp); PubMed 10712197 (cited by Labcorp Genetics (formerly Invitae), Labcorp); PubMed 23913538 (cited by Labcorp Genetics (formerly Invitae), Labcorp); PubMed 31766501 (cited by Labcorp Genetics (formerly Invitae), Labcorp).